The following is an entry in ClinVar:

ClinVar aggregate classification (germline): Uncertain significance (0 of 4 stars; one submission).

Conditions:
PCNT-related disorder. Also called: PCNT-related condition.

gnomAD v4.1: 1 of 1,612,742 alleles (0.000062%); highest among the groups gnomAD compares: Non-Finnish European, 0.000085%; no homozygotes.

Submission:

PreventionGenetics, part of Exact Sciences
Classification: Uncertain significance for PCNT-related condition. Last evaluated: 2023-12-01. Review status: no assertion criteria provided. Collection method: clinical testing. Allele origin: germline.
Comment: The PCNT c.6070A>G variant is predicted to result in the amino acid substitution p.Thr2024Ala. To our knowledge, this variant has not been reported in the literature. This variant is reported in 0.00088% of alleles in individuals of European (Non-Finnish) descent in gnomAD. At this time, the clinical significance of this variant is uncertain due to the absence of conclusive functional and genetic evidence.

NM_006031.6(PCNT):c.6070A>G (p.Thr2024Ala)

Gene: PCNT (pericentrin; plus strand). Cytogenetic location: 21q22.3.
Variant type: single nucleotide variant.
Coding change: c.6070A>G on transcript NM_006031.6 (MANE Select); coding-DNA position 6070, A replaced by G.
Protein change: p.Thr2024Ala; replaces threonine 2024 with alanine.
Molecular consequence: missense variant.
Genome position (GRCh38, 1-based): chr21:46,412,912, A>G. VCF-style: chr21-46412912-A-G. GRCh37 (hg19) VCF-style: chr21-47832826-A-G.
Other names: c.5716A>G, p.Thr1906Ala (NM_001315529.2); short protein forms T1906A, T2024A.
Identifiers: ClinVar variation 3348354 (VCV003348354.1).